The following is an entry in ClinVar:

ClinVar aggregate classification (germline): Likely pathogenic (1 of 4 stars; one submission).

Conditions:
Leukodystrophy, hypomyelinating, 18. Identifiers: MedGen C5193078, MONDO:0032730, OMIM 618404.

Allele frequency attached by ClinVar (database versions not stated): TOPMed below 0.00001; gnomAD 0.00001.
gnomAD v4.1: 9 of 1,607,358 alleles (0.00056%); highest among the groups gnomAD compares: Non-Finnish European, 0.00076%; no homozygotes.

Submission:

Lifecell International Pvt. Ltd
Classification: Likely pathogenic for Leukodystrophy, hypomyelinating, 18. Review status: criteria provided, single submitter. Criteria: ACMG Guidelines, 2015. Collection method: clinical testing. Allele origin: germline. Inheritance: Autosomal recessive inheritance. Affected: yes. Observed: 1 compound heterozygote.
Comment: A Heterozygous Splice site acceptor variant c.826-1G>A in Exon 2 of the DEGS1 gene that results in the amino acid substitution was identified. The observed variant has a minor allele frequency of 0.0004% gnomAD exomes and is novel in genomes, respectively. The severity of the impact of this variant on the protein is high, based on the effect of the protein and REVEL score. Rare Exome Variant Ensemble Learner (REVEL) is an ensembl method for predicting the pathogenicity of missense variants based on a combination of scores from 13 individual tools: MutPred, FATHMM v2.3, VEST 3.0, PolyPhen-2, SIFT, PROVEAN, MutationAssessor, MutationTaster, LRT, GERP++, SiPhy, phyloP, and phastCons. The REVEL score for an individual missense variant can range from 0 to 1, with higher scores reflecting greater likelihood that the variant is disease- causing. For these reasons, this variant has been classified as Likely Pathogenic.

NM_003676.4(DEGS1):c.826-1G>A

Gene: DEGS1 (delta 4-desaturase, sphingolipid 1; plus strand). Cytogenetic location: 1q42.11.
Variant type: single nucleotide variant.
Coding change: c.826-1G>A on transcript NM_003676.4 (MANE Select); the canonical splice acceptor site of the intron before coding-DNA position 826, G replaced by A.
Molecular consequence: splice acceptor variant.
Genome position (GRCh38, 1-based): chr1:224,192,331, G>A. VCF-style: chr1-224192331-G-A. GRCh37 (hg19) VCF-style: chr1-224380033-G-A.
Other names: c.*24-1G>A (NM_001321541.2); c.718-1G>A (NM_001321542.2).
Identifiers: ClinVar variation 2502429 (VCV002502429.1), dbSNP rs1273116884, ClinGen allele CA344710633.